The following is an entry in ClinVar:

NM_152594.3(SPRED1):c.244_245insGGTCAGGAGATCGAGACCATCCTGGCTAACACGGTGAAACCCCGTCTCTACTAAAAATACAAAAAATTAGCCNNNNNNNNNNAAAAAAAAAAAAAAAAAAAAAAAAAAGACCTCATTT (p.Tyr82delinsTrpSerGlyAspArgAspHisProGlyTer)

Gene: SPRED1 (sprouty related EVH1 domain containing 1; plus strand). Cytogenetic location: 15q14.
Variant type: Microsatellite.
Coding change: c.244_245insGGTCAGGAGATCGAGACCATCCTGGCTAACACGGTGAAACCCCGTCTCTACTAAAAATACAAAAAATTAGCCNNNNNNNNNNAAAAAAAAAAAAAAAAAAAAAAAAAAGACCTCATTT on transcript NM_152594.3 (MANE Select); coding-DNA positions 244 to 245, GGTCAGGAGATCGAGACCATCCTGGCTAACACGGTGAAACCCCGTCTCTACTAAAAATACAAAAAATTAGCCNNNNNNNNNNAAAAAAAAAAAAAAAAAAAAAAAAAAGACCTCATTT inserted.
Protein change: p.Tyr82delinsTrpSerGlyAspArgAspHisProGlyTer.
Molecular consequence: nonsense.
Genome position: GRCh38: chr15:38,322,262-38,322,277. GRCh37 (hg19), VCF-style position (the base before the change): chr15:38,614,462.
Identifiers: ClinVar variation 3726575 (VCV003726575.2).

ClinVar aggregate classification (germline): Pathogenic (1 of 4 stars; one submission).

Conditions:
Legius syndrome. Identifiers: Orphanet 137605, MedGen C1969623, MONDO:0012669, OMIM 611431. Disease mechanism: loss of function.

Submission:

Labcorp Genetics (formerly Invitae), Labcorp
Classification: Pathogenic for Legius syndrome. Last evaluated: 2024-12-03. Review status: criteria provided, single submitter. Criteria: Invitae Variant Classification Sherloc (09022015). Collection method: clinical testing. Allele origin: germline.
Comment: This sequence change inserts a large fragment of DNA, likely a transposable element, in exon 3 of the SPRED1 gene (c.244_245ins?), causing a frameshift at codon 82 (p.Tyr82fs). The exact size and sequence of the insertion cannot be determined by the current assay. However, the insertion is expected to result in an absent or disrupted protein product. This variant is not present in population databases (gnomAD no frequency). This variant has not been reported in the literature in individuals affected with SPRED1-related conditions. Retrotransposon insertions including LINE1 (L1), Alu, and SVA (SINE-VNTR-Alu) have been reported to be disease-causing through disruption of either a coding region or splice site (PMID: 19763152, 20307669, 22406018) and loss-of-function variants in SPRED1 are known to be pathogenic (PMID: 17704776). For these reasons, this variant has been classified as Pathogenic.

Literature cited by the submitters: PubMed 19763152; PubMed 20307669; PubMed 22406018; PubMed 17704776.